The following is an entry in ClinVar:

NM_018076.5(ODAD2):c.1228C>G (p.Gln410Glu)

Gene: ODAD2 (outer dynein arm docking complex subunit 2; minus strand). Cytogenetic location: 10p12.1.
Variant type: single nucleotide variant.
Coding change: c.1228C>G on transcript NM_018076.5 (MANE Select); coding-DNA position 1228, C replaced by G.
Protein change: p.Gln410Glu; replaces glutamine 410 with glutamic acid.
Molecular consequence: missense variant. On other transcripts: intron variant (1).
Genome position (GRCh38, 1-based): chr10:27,968,933, G>C on the plus strand (C>G on the coding strand, the complement: ODAD2 is on the minus strand). VCF-style: chr10-27968933-G-C. GRCh37 (hg19) VCF-style: chr10-28257862-G-C.
Other names: c.1228C>G, p.Gln410Glu (NM_001290020.2); c.304C>G, p.Gln102Glu (NM_001312689.2); c.-187-7218C>G (NM_001290021.2); c.1228C>G (NM_018076.4); short protein forms Q410E, Q102E.
Identifiers: ClinVar variation 412249 (VCV000412249.16), dbSNP rs531033796, ClinGen allele CA5453619.
Genomic context (GRCh38, chr10:27,968,933, plus strand): 5'-ACTGCGTGAGGGTGGCTTTAGGGAACTCGTCTTGCTGACCAGAAACATACCGAAGTAATT[G>C]TGCTCTTCCGTGTGAAACAGATGGTCTTGGTTTTTCAAGTTTTCCTGTGTGTTTGTCCTC-3'
Protein context (NP_060546.2, residues 400-420): PRPSVSHGRA[Gln410Glu]LLRKSAEKIE

ClinVar aggregate classification (germline): Likely benign. Review status: criteria provided, multiple submitters, no conflicts (2 of 4 stars). 3 submissions from 3 submitters: Likely benign (2). 1 of the submissions does not count toward it. Last evaluated 2024-02-14.

Conditions:
Primary ciliary dyskinesia 23 (CILD23). Also called: CILIARY DYSKINESIA, PRIMARY, 23, WITH OR WITHOUT SITUS INVERSUS. Identifiers: Orphanet 244, MedGen C3809548, MONDO:0014193, OMIM 615451.
ODAD2-related disorder. Also called: ODAD2-related condition.
Primary ciliary dyskinesia. Also called: Ciliary dyskinesia. Identifiers: Orphanet 244, MedGen C0008780, MONDO:0016575, HP:0012265.

Allele frequency attached by ClinVar (database versions not stated): gnomAD exomes 0.00043; gnomAD 0.00115; ExAC 0.00134; 1000 Genomes Project 0.00140; 1000 Genomes Project 30x 0.00141.

Submissions (3):

Labcorp Genetics (formerly Invitae), Labcorp
Classification: Likely benign for Primary ciliary dyskinesia 23. Last evaluated: 2024-02-14. Review status: criteria provided, single submitter. Criteria: Invitae Variant Classification Sherloc (09022015). Collection method: clinical testing. Allele origin: germline.

Ambry Genetics
Classification: Likely benign for Primary ciliary dyskinesia. Last evaluated: 2018-01-17. Review status: criteria provided, single submitter. Criteria: Ambry Variant Classification Scheme 2023. Collection method: clinical testing. Allele origin: germline.

PreventionGenetics, part of Exact Sciences
Classification: Likely benign for ODAD2-related condition. Last evaluated: 2020-03-05. Review status: no assertion criteria provided. Collection method: clinical testing. Allele origin: germline. Not counted in ClinVar's aggregate classification.
Comment: This variant is classified as likely benign based on ACMG/AMP sequence variant interpretation guidelines (Richards et al. 2015 PMID: 25741868, with internal and published modifications).